The following is an entry in ClinVar:

ClinVar aggregate classification (germline): Uncertain significance (1 of 4 stars; one submission).

Allele frequency attached by ClinVar (database versions not stated): gnomAD 0.00003; TOPMed 0.00003.
gnomAD v4.1: 17 of 1,612,820 alleles (0.0011%); highest among the groups gnomAD compares: Admixed American, 0.0033%; no homozygotes.

Submission:

Labcorp Genetics (formerly Invitae), Labcorp
Classification: Uncertain significance. Last evaluated: 2022-06-29. Review status: criteria provided, single submitter. Criteria: Invitae Variant Classification Sherloc (09022015). Collection method: clinical testing. Allele origin: germline.
Comment: This sequence change replaces serine, which is neutral and polar, with leucine, which is neutral and non-polar, at codon 855 of the AP3B2 protein (p.Ser855Leu). This variant is present in population databases (rs753128051, gnomAD 0.007%). This variant has not been reported in the literature in individuals affected with AP3B2-related conditions. Algorithms developed to predict the effect of missense changes on protein structure and function output the following: SIFT: "Tolerated"; PolyPhen-2: "Benign"; Align-GVGD: "Class C0". The leucine amino acid residue is found in multiple mammalian species, which suggests that this missense change does not adversely affect protein function. In summary, the available evidence is currently insufficient to determine the role of this variant in disease. Therefore, it has been classified as a Variant of Uncertain Significance.

NM_001278512.2(AP3B2):c.2621C>T (p.Ser874Leu)

Genes: AP3B2 (adaptor related protein complex 3 subunit beta 2; minus strand), CPEB1-AS1 (CPEB1 antisense RNA 1; plus strand). Cytogenetic location: 15q25.2.
Variant type: single nucleotide variant.
Coding change: c.2621C>T on transcript NM_001278512.2 (MANE Select); coding-DNA position 2621, C replaced by T.
Protein change: p.Ser874Leu; replaces serine 874 with leucine.
Molecular consequence: missense variant.
Genome position (GRCh38, 1-based): chr15:82,662,906, G>A on the plus strand (C>T on the coding strand, the complement: AP3B2 is on the minus strand). VCF-style: chr15-82662906-G-A. GRCh37 (hg19) VCF-style: chr15-83331658-G-A.
Other names: c.2468C>T, p.Ser823Leu (NM_001278511.2); c.2564C>T, p.Ser855Leu (NM_004644.5); short protein forms S823L, S855L, S874L.
Identifiers: ClinVar variation 1518025 (VCV001518025.5), dbSNP rs753128051, ClinGen allele CA7699833.
Genomic context (GRCh38, chr15:82,662,906, plus strand): 5'-TAGTCCACAGCCAGCCCCTCGCCAGCTACCCGGTGCAGCAGCTCCTGCCGCCCAACACCC[G>A]ATACTGGACTCAGAAGCTAGAGTGGAGGGGTAGGGAAGGACAGAACTGAGCAAGATGGAG-3'
Protein context (NP_001265441.1, residues 864-884): TLVPSLLSPV[Ser874Leu]GVGRQELLHR